The following is an entry in ClinVar:

ClinVar aggregate classification (germline): Uncertain significance (1 of 4 stars; one submission).

gnomAD v4.1: 6 of 1,614,144 alleles (0.00037%); highest among the groups gnomAD compares: Non-Finnish European, 0.00051%; no homozygotes.

Submission:

Labcorp Genetics (formerly Invitae), Labcorp
Classification: Uncertain significance. Last evaluated: 2025-12-06. Review status: criteria provided, single submitter. Criteria: Invitae Variant Classification Sherloc (09022015). Collection method: clinical testing. Allele origin: germline.
Comment: This sequence change replaces arginine, which is basic and polar, with tryptophan, which is neutral and slightly polar, at codon 137 of the LHX4 protein (p.Arg137Trp). This variant is present in population databases (rs759741774, gnomAD 0.0009%). This variant has not been reported in the literature in individuals affected with LHX4-related conditions. Invitae Evidence Modeling of protein sequence and biophysical properties (such as structural, functional, and spatial information, amino acid conservation, physicochemical variation, residue mobility, and thermodynamic stability) indicates that this missense variant is not expected to disrupt LHX4 protein function with a negative predictive value of 80%. In summary, the available evidence is currently insufficient to determine the role of this variant in disease. Therefore, it has been classified as a Variant of Uncertain Significance.

NM_033343.4(LHX4):c.409C>T (p.Arg137Trp)

Gene: LHX4 (LIM homeobox 4; plus strand). Cytogenetic location: 1q25.2.
Variant type: single nucleotide variant.
Coding change: c.409C>T on transcript NM_033343.4 (MANE Select); coding-DNA position 409, C replaced by T.
Protein change: p.Arg137Trp; replaces arginine 137 with tryptophan.
Molecular consequence: missense variant.
Genome position (GRCh38, 1-based): chr1:180,266,552, C>T. VCF-style: chr1-180266552-C-T. GRCh37 (hg19) VCF-style: chr1-180235687-C-T.
Other names: short protein forms R137W.
Identifiers: ClinVar variation 4776136 (VCV004776136.1).